The following is an entry in ClinVar:

ClinVar aggregate classification (germline): Benign/Likely benign. Review status: criteria provided, multiple submitters, no conflicts (2 of 4 stars). 8 submissions from 7 submitters: Benign (5); Likely benign (1). 2 of the submissions do not count toward it. Last evaluated 2025-07-20.

Conditions:
NOTCH1-related disorder. Also called: NOTCH1-related disorders; NOTCH1-related condition.
Familial thoracic aortic aneurysm and aortic dissection (TAAD). Also called: Thoracic aortic aneurysms and dissections. Identifiers: Orphanet 91387, MedGen C4707243, MONDO:0019625.
Myeloproliferative neoplasm, unclassifiable. Identifiers: Orphanet 86830, MedGen C1333046, MONDO:0019452.
Aortic valve disease 1 (AOVD1). Identifiers: MedGen C3887892, MONDO:0024523, OMIM 109730.
Adams-Oliver syndrome 5 (AOS5). Identifiers: Orphanet 974, MedGen C4014970, MONDO:0014459, OMIM 616028.

Allele frequency attached by ClinVar (database versions not stated): TOPMed 0.00002; gnomAD 0.00015; gnomAD exomes 0.00030 and 0.00145; 1000 Genomes Project 30x 0.00062; ExAC 0.00732.

Submissions (8):

Labcorp Genetics (formerly Invitae), Labcorp
Classification: Benign for Adams-Oliver syndrome 5. Last evaluated: 2025-07-20. Review status: criteria provided, single submitter. Criteria: Invitae Variant Classification Sherloc (09022015). Collection method: clinical testing. Allele origin: germline.

Ambry Genetics
Classification: Benign for Familial thoracic aortic aneurysm and aortic dissection. Last evaluated: 2024-06-03. Review status: criteria provided, single submitter. Criteria: Ambry Variant Classification Scheme 2023. Collection method: clinical testing. Allele origin: germline.

Blueprint Genetics
Classification: Likely benign. Last evaluated: 2024-06-03. Review status: criteria provided, single submitter. Criteria: ACMG Guidelines, 2015. Collection method: clinical testing. Allele origin: germline.

Genome-Nilou Lab
Classification: Benign for Adams-Oliver syndrome 5. Last evaluated: 2022-03-15. Review status: criteria provided, single submitter. Criteria: ACMG Guidelines, 2015. Collection method: clinical testing. Allele origin: germline. Affected: no.

Genome-Nilou Lab
Classification: Benign for Aortic valve disease 1. Last evaluated: 2022-03-15. Review status: criteria provided, single submitter. Criteria: ACMG Guidelines, 2015. Collection method: clinical testing. Allele origin: germline. Affected: no.

GeneDx
Classification: Benign. Last evaluated: 2019-01-07. Review status: criteria provided, single submitter. Criteria: GeneDx Variant Classification Process June 2021. Collection method: clinical testing. Allele origin: germline. Affected: yes.

PreventionGenetics, part of Exact Sciences
Classification: Likely benign for NOTCH1-related condition. Last evaluated: 2020-12-22. Review status: no assertion criteria provided. Collection method: clinical testing. Allele origin: germline. Not counted in ClinVar's aggregate classification.
Comment: This variant is classified as likely benign based on ACMG/AMP sequence variant interpretation guidelines (Richards et al. 2015 PMID: 25741868, with internal and published modifications).

Dept. of Cytogenetics, ICMR- National Institute of Immunohaematology
Classification: Pathogenic for Myeloproliferative neoplasm, unclassifiable. Last evaluated: 2022-08-25. Review status: flagged submission. Criteria: Oncogenicity SOP (ClinGen, CGC, VICC guidelines) 2022. Collection method: clinical testing. Allele origin: somatic. Affected: yes. Observed: 2 variant alleles. Not counted in ClinVar's aggregate classification.
ClinVar note: Reason: Outlier claim with insufficient supporting evidence

NM_017617.5(NOTCH1):c.52G>A (p.Ala18Thr)

Genes: NOTCH1 (notch receptor 1; minus strand), LOC130003020 (ATAC-STARR-seq lymphoblastoid silent region 20528; plus strand). Cytogenetic location: 9q34.3.
Variant type: single nucleotide variant.
Coding change: c.52G>A on transcript NM_017617.5 (MANE Select); coding-DNA position 52, G replaced by A.
Protein change: p.Ala18Thr; replaces alanine 18 with threonine.
Molecular consequence: missense variant.
Genome position (GRCh38, 1-based): chr9:136,545,735, C>T on the plus strand (G>A on the coding strand, the complement: NOTCH1 is on the minus strand). VCF-style: chr9-136545735-C-T. GRCh37 (hg19) VCF-style: chr9-139440187-C-T.
Other names: c.52G>A (NM_017617.4); short protein forms A18T.
Identifiers: ClinVar variation 1243966 (VCV001243966.16), dbSNP rs754613772, ClinGen allele CA5342272.
Genomic context (GRCh38, chr9:136,545,735, plus strand): 5'-AGTTTCCAAAGGGCGCGGAAAGTGGGGGCTCGCGGGTGGGTGGGCGCCTACCTCGTGCGG[C>T]GAGCGCGGGCAGCAGCGCCAGGCAGAGCAGGGGCGCCAGGAGCGGCGGCATGCCTCCCCA-3'
Protein context (NP_060087.3, residues 8-28): LLCLALLPAL[Ala18Thr]ARGPRCSQPG